The following is an entry in ClinVar:

ClinVar aggregate classification (germline): Likely pathogenic (1 of 4 stars; one submission).

Conditions:
Niemann-Pick disease, type C1. Also called: NIEMANN-PICK DISEASE, VARIANT TYPE C1; NIEMANN-PICK DISEASE WITHOUT SPHINGOMYELINASE DEFICIENCY; NIEMANN-PICK DISEASE, CHRONIC NEURONOPATHIC FORM; NEUROVISCERAL STORAGE DISEASE WITH VERTICAL SUPRANUCLEAR OPHTHALMOPLEGIA; NIEMANN-PICK DISEASE WITH CHOLESTEROL ESTERIFICATION BLOCK. Identifiers: Orphanet 646, MedGen C3179455, MONDO:0009757, OMIM 257220.

Submission:

Myriad Genetics, Inc.
Classification: Likely pathogenic for Niemann-Pick disease, type C1. Last evaluated: 2019-05-01. Review status: criteria provided, single submitter. Criteria: Myriad Women's Health Autosomal Recessive and X-Linked Classification Criteria (2019). Collection method: clinical testing. Allele origin: unknown.
Comment: NM_000271.4(NPC1):c.339T>A(C113*) is expected to be pathogenic in the context of Niemann-Pick disease type C1. This variant is predicted to lead to an abnormal or absent protein product due to the creation of a premature termination codon in NPC1, a gene where loss-of-function variants are known to be pathogenic. Please note: this variant was assessed in the context of healthy population screening.

NM_000271.5(NPC1):c.339T>A (p.Cys113Ter)

Gene: NPC1 (NPC intracellular cholesterol transporter 1; minus strand). Cytogenetic location: 18q11.2.
Variant type: single nucleotide variant.
Coding change: c.339T>A on transcript NM_000271.5 (MANE Select); coding-DNA position 339, T replaced by A.
Protein change: p.Cys113Ter; replaces cysteine 113 with a stop codon.
Molecular consequence: nonsense.
Genome position (GRCh38, 1-based): chr18:23,568,947, A>T on the plus strand (T>A on the coding strand, the complement: NPC1 is on the minus strand). VCF-style: chr18-23568947-A-T. GRCh37 (hg19) VCF-style: chr18-21148911-A-T.
Other names: short protein forms C113*.
Identifiers: ClinVar variation 983841 (VCV000983841.3), dbSNP rs2059164609, ClinGen allele CA401785620.